The following is an entry in ClinVar:

NM_181471.3(RFC2):c.1053G>A (p.Pro351=)

Gene: RFC2 (replication factor C subunit 2; minus strand). Cytogenetic location: 7q11.23.
Variant type: single nucleotide variant.
Coding change: c.1053G>A on transcript NM_181471.3 (MANE Select); coding-DNA position 1053, G replaced by A.
Protein change: p.Pro351=; no amino-acid change (proline 351 retained).
Molecular consequence: synonymous variant.
Genome position (GRCh38, 1-based): chr7:74,232,118, C>T on the plus strand (G>A on the coding strand, the complement: RFC2 is on the minus strand). VCF-style: chr7-74232118-C-T. GRCh37 (hg19) VCF-style: chr7-73646448-C-T.
Other names: c.750G>A, p.Pro250= (NM_001278791.2); c.744G>A, p.Pro248= (NM_001278792.2); c.648G>A, p.Pro216= (NM_001278793.2); c.951G>A, p.Pro317= (NM_002914.5).
Identifiers: ClinVar variation 4534188 (VCV004534188.6).

ClinVar aggregate classification (germline): Likely benign (1 of 4 stars; one submission).

gnomAD v4.1: 26 of 1,603,440 alleles (0.0016%); highest among the groups gnomAD compares: South Asian, 0.011%; no homozygotes.

Submission:

CeGaT Center for Human Genetics Tuebingen
Classification: Likely benign. Last evaluated: 2025-11-01. Review status: criteria provided, single submitter. Criteria: CeGaT Center For Human Genetics Tuebingen Variant Classification Criteria Version 2. Collection method: clinical testing. Allele origin: germline. Affected: yes. Observed: 1 variant allele.
Comment: RFC2: BP4, BP7